The following is an entry in ClinVar:

ClinVar aggregate classification (germline): Uncertain significance (1 of 4 stars; one submission).

Conditions:
Cardiovascular phenotype. Identifiers: MedGen CN230736.

Submission:

Ambry Genetics
Classification: Uncertain significance for Cardiovascular phenotype. Last evaluated: 2025-01-05. Review status: criteria provided, single submitter. Criteria: Ambry Variant Classification Scheme 2023. Collection method: clinical testing. Allele origin: germline.
Comment: The p.P355T variant (also known as c.1063C>A), located in coding exon 2 of the RBM20 gene, results from a C to A substitution at nucleotide position 1063. The proline at codon 355 is replaced by threonine, an amino acid with highly similar properties. This amino acid position is conserved. In addition, the in silico prediction for this alteration is inconclusive. Since supporting evidence is limited at this time, the clinical significance of this alteration remains unclear.

Literature cited by the submitters: PubMed 35352813.

NM_001134363.3(RBM20):c.1063C>A (p.Pro355Thr)

Gene: RBM20 (RNA binding motif protein 20; plus strand). Cytogenetic location: 10q25.2.
Variant type: single nucleotide variant.
Coding change: c.1063C>A on transcript NM_001134363.3 (MANE Select); coding-DNA position 1063, C replaced by A.
Protein change: p.Pro355Thr; replaces proline 355 with threonine.
Molecular consequence: missense variant.
Genome position (GRCh38, 1-based): chr10:110,781,672, C>A. VCF-style: chr10-110781672-C-A. GRCh37 (hg19) VCF-style: chr10-112541430-C-A.
Other names: short protein forms P355T.
Identifiers: ClinVar variation 1780976 (VCV001780976.3), dbSNP rs998547889, ClinGen allele CA378385491.